The following is an entry in ClinVar:

NM_019066.5(MAGEL2):c.1766C>A (p.Ala589Asp)

Gene: MAGEL2 (MAGE family member L2; minus strand). Cytogenetic location: 15q11.2.
Variant type: single nucleotide variant.
Coding change: c.1766C>A on transcript NM_019066.5 (MANE Select); coding-DNA position 1766, C replaced by A.
Protein change: p.Ala589Asp; replaces alanine 589 with aspartic acid.
Molecular consequence: missense variant.
Genome position (GRCh38, 1-based): chr15:23,645,977, G>T on the plus strand (C>A on the coding strand, the complement: MAGEL2 is on the minus strand). VCF-style: chr15-23645977-G-T. GRCh37 (hg19) VCF-style: chr15-23891124-G-T.
Other names: c.1766C>A (NM_019066.4); short protein forms A589D.
Identifiers: ClinVar variation 1709234 (VCV001709234.3), dbSNP rs912914119, ClinGen allele CA267660102.

ClinVar aggregate classification (germline): Uncertain significance. Review status: criteria provided, multiple submitters, no conflicts (2 of 4 stars). 2 submissions from 2 submitters: Uncertain significance (2). Last evaluated 2025-06-13.

Conditions:
MAGEL2-related disorder. Also called: MAGEL2-related condition.
Schaaf-Yang syndrome (SHFYNG). Also called: Arthrogryposis, distal, with hypopituitarism, intellectual disability, and facial anomalies; MAGEL2-related Prader-Willi-like syndrome. Identifiers: Orphanet 398069, MedGen C5575066, MONDO:0014243, OMIM 615547.

Submissions (2):

PreventionGenetics, part of Exact Sciences
Classification: Uncertain significance for MAGEL2-related condition. Last evaluated: 2025-06-13. Review status: criteria provided, single submitter. Criteria: ACMG Guidelines, 2015. Collection method: clinical testing. Allele origin: germline.
Comment: The MAGEL2 c.1766C>A variant is predicted to result in the amino acid substitution p.Ala589Asp. To our knowledge, this variant has not been reported in the literature. This variant is reported in 0.0016% of alleles in individuals of European (Non-Finnish) descent in gnomAD. At this time, the clinical significance of this variant is uncertain due to the absence of conclusive functional and genetic evidence.

MGZ Medical Genetics Center
Classification: Uncertain significance for Schaaf-Yang syndrome. Last evaluated: 2022-03-31. Review status: criteria provided, single submitter. Criteria: ACMG Guidelines, 2015. Collection method: clinical testing. Allele origin: germline. Affected: yes. Observed: 1 variant allele.
Comment: ACMG criteria applied: PM2_SUP, BP4